The following is an entry in ClinVar:

NM_001128225.3(SLC39A13):c.128C>T (p.Ala43Val)

Gene: SLC39A13 (solute carrier family 39 member 13; plus strand). Cytogenetic location: 11p11.2.
Variant type: single nucleotide variant.
Coding change: c.128C>T on transcript NM_001128225.3 (MANE Select); coding-DNA position 128, C replaced by T.
Protein change: p.Ala43Val; replaces alanine 43 with valine.
Molecular consequence: missense variant. On other transcripts: non-coding transcript variant (1).
Genome position (GRCh38, 1-based): chr11:47,410,222, C>T. VCF-style: chr11-47410222-C-T. GRCh37 (hg19) VCF-style: chr11-47431773-C-T.
Other names: c.128C>T, p.Ala43Val (NM_001330245.2, NM_152264.5); short protein forms A43V.
Identifiers: ClinVar variation 1524834 (VCV001524834.7), dbSNP rs762413647, ClinGen allele CA5975671.
Genomic context (GRCh38, chr11:47,410,222, plus strand): 5'-CCCTGGAGCTCTTGGAAAGGGCTGGGGGTTCCCAGCCGGCCCTCCGGAGCCGGGGGACTG[C>T]GACGGCCTGTCGCCTGGACAACAAGGAAAGCGAGTCCTGGGGGGCTCTGCTGAGCGGAGA-3'
Protein context (NP_001121697.2, residues 33-53): SQPALRSRGT[Ala43Val]TACRLDNKES

ClinVar aggregate classification (germline): Uncertain significance (1 of 4 stars; one submission).

Conditions:
Ehlers-Danlos syndrome, spondylodysplastic type, 3. Also called: Ehlers-Danlos syndrome, spondylocheirodysplastic type. Identifiers: Orphanet 157965, MedGen C2676510, MONDO:0012873, OMIM 612350.

Allele frequency attached by ClinVar (database versions not stated): gnomAD exomes 0.00002; gnomAD 0.00001; TOPMed 0.00004; ExAC 0.00004.

Submission:

Labcorp Genetics (formerly Invitae), Labcorp
Classification: Uncertain significance for Ehlers-Danlos syndrome, spondylodysplastic type, 3. Last evaluated: 2024-04-25. Review status: criteria provided, single submitter. Criteria: Invitae Variant Classification Sherloc (09022015). Collection method: clinical testing. Allele origin: germline.
Comment: This sequence change replaces alanine, which is neutral and non-polar, with valine, which is neutral and non-polar, at codon 43 of the SLC39A13 protein (p.Ala43Val). This variant is present in population databases (rs762413647, gnomAD 0.004%). This variant has not been reported in the literature in individuals affected with SLC39A13-related conditions. ClinVar contains an entry for this variant (Variation ID: 1524834). An algorithm developed to predict the effect of missense changes on protein structure and function (PolyPhen-2) suggests that this variant is likely to be disruptive. In summary, the available evidence is currently insufficient to determine the role of this variant in disease. Therefore, it has been classified as a Variant of Uncertain Significance.